The following is an entry in ClinVar:

ClinVar aggregate classification (germline): Likely benign (0 of 4 stars; one submission).

Conditions:
JAG1-related disorder. Also called: JAG1-related condition; JAG1-related disorders.

gnomAD v4.1: 4 of 1,612,286 alleles (0.00025%); highest among the groups gnomAD compares: African/African-American, 0.0053%; no homozygotes.

Submission:

PreventionGenetics, part of Exact Sciences
Classification: Likely benign for JAG1-related condition. Last evaluated: 2024-05-23. Review status: no assertion criteria provided. Collection method: clinical testing. Allele origin: germline.
Comment: This variant is classified as likely benign based on ACMG/AMP sequence variant interpretation guidelines (Richards et al. 2015 PMID: 25741868, with internal and published modifications).

NM_000214.3(JAG1):c.2114-7C>T

Gene: JAG1 (jagged canonical Notch ligand 1; minus strand). Cytogenetic location: 20p12.2.
Variant type: single nucleotide variant.
Coding change: c.2114-7C>T on transcript NM_000214.3 (MANE Select); 7 bases into the intron before coding-DNA position 2114, C replaced by T.
Molecular consequence: intron variant.
Genome position (GRCh38, 1-based): chr20:10,645,263, G>A on the plus strand (C>T on the coding strand, the complement: JAG1 is on the minus strand). VCF-style: chr20-10645263-G-A. GRCh37 (hg19) VCF-style: chr20-10625911-G-A.
Identifiers: ClinVar variation 3355987 (VCV003355987.1).
Genomic context (GRCh38, chr20:10,645,263, plus strand): 5'-CATCATAGCAGGTGCCACCGTTGTTGCACGTGGCCTCATCACACTGACTGTCACCTGGAG[G>A]AAAATATTTCAGTGTGAGTCCCAGTGGCCCCCTCCCACAGAAGACAGAGGGAAGGGTCCC-3'